The following is an entry in ClinVar:

NM_001853.4(COL9A3):c.336dup (p.Gly113fs)

Gene: COL9A3 (collagen type IX alpha 3 chain; plus strand). Cytogenetic location: 20q13.33.
Variant type: Duplication.
Coding change: c.336dup on transcript NM_001853.4 (MANE Select); coding-DNA position 336, one base duplicated (C; older notation c.336dupC).
Protein change: p.Gly113fs; shifts the reading frame from glycine 113.
Molecular consequence: frameshift variant.
Genome position (GRCh38, 1-based): chr20:62,821,207, C duplicated; the last of 3 consecutive C bases (chr20:62,821,205-62,821,207); duplicating any one gives the same sequence. VCF-style (leftmost placement, unchanged base first): chr20-62821204-G-GC. GRCh37 (hg19) VCF-style: chr20-61452556-G-GC.
Other names: short protein forms G113fs.
Identifiers: ClinVar variation 3660832 (VCV003660832.2).

ClinVar aggregate classification (germline): Pathogenic (1 of 4 stars; one submission).

Submission:

Labcorp Genetics (formerly Invitae), Labcorp
Classification: Pathogenic. Last evaluated: 2024-07-31. Review status: criteria provided, single submitter. Criteria: Invitae Variant Classification Sherloc (09022015). Collection method: clinical testing. Allele origin: germline.
Comment: This sequence change creates a premature translational stop signal (p.Gly113Argfs*55) in the COL9A3 gene. It is expected to result in an absent or disrupted protein product. Loss-of-function variants in COL9A3 are known to be pathogenic (PMID: 24273071, 31090205). This variant is not present in population databases (gnomAD no frequency). This variant has not been reported in the literature in individuals affected with COL9A3-related conditions. For these reasons, this variant has been classified as Pathogenic.

Literature cited by the submitters: PubMed 24273071; PubMed 31090205.